The following is an entry in ClinVar:

NM_144701.3(IL23R):c.956-8G>A

Gene: IL23R (interleukin 23 receptor; plus strand). Cytogenetic location: 1p31.3.
Variant type: single nucleotide variant.
Coding change: c.956-8G>A on transcript NM_144701.3 (MANE Select); 8 bases into the intron before coding-DNA position 956, G replaced by A.
Molecular consequence: intron variant.
Genome position (GRCh38, 1-based): chr1:67,236,705, G>A. VCF-style: chr1-67236705-G-A. GRCh37 (hg19) VCF-style: chr1-67702388-G-A.
Identifiers: ClinVar variation 4767272 (VCV004767272.1).

ClinVar aggregate classification (germline): Uncertain significance (1 of 4 stars; one submission).

Submission:

Labcorp Genetics (formerly Invitae), Labcorp
Classification: Uncertain significance. Last evaluated: 2025-07-03. Review status: criteria provided, single submitter. Criteria: Invitae Variant Classification Sherloc (09022015). Collection method: clinical testing. Allele origin: germline.
Comment: This sequence change falls in intron 7 of the IL23R gene. It does not directly change the encoded amino acid sequence of the IL23R protein. This variant is not present in population databases (gnomAD no frequency). This variant has not been reported in the literature in individuals affected with IL23R-related conditions. Algorithms developed to predict the effect of sequence changes on RNA splicing suggest that this variant may disrupt the consensus splice site. In summary, the available evidence is currently insufficient to determine the role of this variant in disease. Therefore, it has been classified as a Variant of Uncertain Significance.